The following is an entry in ClinVar:

NM_005148.4(UNC119):c.-66T>G

Genes: UNC119 (unc-119 lipid binding chaperone; minus strand), LOC130060555 (ATAC-STARR-seq lymphoblastoid silent region 8343; plus strand). Cytogenetic location: 17q11.2.
Variant type: single nucleotide variant.
Coding change: c.-66T>G on transcript NM_005148.4 (MANE Select); 66 bases upstream of the start codon, T replaced by G.
Molecular consequence: 5 prime UTR variant.
Genome position (GRCh38, 1-based): chr17:28,552,623, A>C on the plus strand (T>G on the coding strand, the complement: UNC119 is on the minus strand). VCF-style: chr17-28552623-A-C. GRCh37 (hg19) VCF-style: chr17-26879641-A-C.
Other names: c.-379T>G (NM_001330166.2); c.-66T>G (NM_054035.2).
Identifiers: ClinVar variation 322475 (VCV000322475.5), dbSNP rs568917704, ClinGen allele CA10649807.

ClinVar aggregate classification (germline): Benign (1 of 4 stars; one submission).

Conditions:
Cone-rod dystrophy. Also called: Cone/cone-rod dystrophy; Cone-rod degeneration. Identifiers: Orphanet 1872, MedGen C4085590, MONDO:0015993, HP:0000548.

Allele frequency attached by ClinVar (database versions not stated): gnomAD 0.00006 and 0.00017; TOPMed 0.00014; 1000 Genomes Project 0.00040; 1000 Genomes Project 30x 0.00062.
gnomAD v4.1: 265 of 1,398,416 alleles (0.019%); highest among the groups gnomAD compares: South Asian, 0.17%; 1 homozygote.

Submission:

Illumina Laboratory Services, Illumina
Classification: Benign for Cone-rod dystrophy. Last evaluated: 2018-01-13. Review status: criteria provided, single submitter. Criteria: ICSL Variant Classification Criteria 13 December 2019. Collection method: clinical testing. Allele origin: germline.
Comment: This variant was observed in the ICSL laboratory as part of a predisposition screen in an ostensibly healthy population. It had not been previously curated by ICSL or reported in the Human Gene Mutation Database (HGMD: prior to June 1st, 2018), and was therefore a candidate for classification through an automated scoring system. Utilizing variant allele frequency, disease prevalence and penetrance estimates, and inheritance mode, an automated score was calculated to assess if this variant is too frequent to cause the disease. Based on the score and internal cut-off values, a variant classified as benign is not then subjected to further curation. The score for this variant resulted in a classification of benign for this disease.